The following is an entry in ClinVar:

NM_001136193.2(FASTKD2):c.1749C>T (p.Ser583=)

Gene: FASTKD2 (FASTK mitochondrial RNA regulator 2; plus strand). Cytogenetic location: 2q33.3.
Variant type: single nucleotide variant.
Coding change: c.1749C>T on transcript NM_001136193.2 (MANE Select); coding-DNA position 1749, C replaced by T.
Protein change: p.Ser583=; no amino-acid change (serine 583 retained).
Molecular consequence: synonymous variant.
Genome position (GRCh38, 1-based): chr2:206,788,091, C>T. VCF-style: chr2-206788091-C-T. GRCh37 (hg19) VCF-style: chr2-207652815-C-T.
Other names: c.1749C>T, p.Ser583= (NM_001136194.2, NM_014929.4).
Identifiers: ClinVar variation 4822736 (VCV004822736.4).
Genomic context (GRCh38, chr2:206,788,091, plus strand): 5'-ACAGCTGCCGCGGGAGCTGCCATCGTCACATACAAATGCAAAGGTGGCAGAGGTGCTGAG[C>T]AGCCTTCTGGGAGGTGAAGGACACTTCTCAAAGGATGTGCACTTGCCACACAATTATCAT-3'
Protein context (NP_001129665.1, residues 573-593): HTNAKVAEVL[Ser583=]SLLGGEGHFS

ClinVar aggregate classification (germline): Likely benign (1 of 4 stars; one submission).

gnomAD v4.1: 2 of 1,613,596 alleles (0.00012%); highest among the groups gnomAD compares: Non-Finnish European, 0.000085%; no homozygotes.

Submission:

CeGaT Center for Human Genetics Tuebingen
Classification: Likely benign. Last evaluated: 2026-02-01. Review status: criteria provided, single submitter. Criteria: CeGaT Center For Human Genetics Tuebingen Variant Classification Criteria Version 2. Collection method: clinical testing. Allele origin: germline. Affected: yes. Observed: 1 variant allele.
Comment: FASTKD2: BP4, BP7